The following is an entry in ClinVar:

NM_213599.3(ANO5):c.1001A>G (p.His334Arg)

Gene: ANO5 (anoctamin 5; plus strand). Cytogenetic location: 11p14.3.
Variant type: single nucleotide variant.
Coding change: c.1001A>G on transcript NM_213599.3 (MANE Select); coding-DNA position 1001, A replaced by G.
Protein change: p.His334Arg; replaces histidine 334 with arginine.
Molecular consequence: missense variant.
Genome position (GRCh38, 1-based): chr11:22,250,359, A>G. VCF-style: chr11-22250359-A-G. GRCh37 (hg19) VCF-style: chr11-22271905-A-G.
Other names: c.998A>G, p.His333Arg (NM_001142649.2); c.959A>G, p.His320Arg (NM_001410963.1, NM_001441300.1); c.956A>G, p.His319Arg (NM_001410964.1, NM_001441301.1); c.923A>G, p.His308Arg (NM_001441294.1); c.920A>G, p.His307Arg (NM_001441295.1); c.908A>G, p.His303Arg (NM_001441296.1, NM_001441302.1); c.881A>G, p.His294Arg (NM_001441297.1); c.845A>G, p.His282Arg (NM_001441298.1); and 1 more; short protein forms H307R, H319R, H333R, H334R, H282R, H281R, H294R, H303R.
Identifiers: ClinVar variation 4789395 (VCV004789395.1).

ClinVar aggregate classification (germline): Uncertain significance (1 of 4 stars; one submission).

Conditions:
Gnathodiaphyseal dysplasia (GDD). Also called: GNATHODIAPHYSEAL SCLEROSIS; OSTEOGENESIS IMPERFECTA WITH UNUSUAL SKELETAL LESIONS. Identifiers: Orphanet 53697, MedGen C1833736, MONDO:0008151, OMIM 166260.
Autosomal recessive limb-girdle muscular dystrophy type 2L (LGMDR12). Also called: Limb-girdle muscular dystrophy, type 2L; MUSCULAR DYSTROPHY, LIMB-GIRDLE, AUTOSOMAL RECESSIVE 12; Limb-Girdle Muscular Dystrophy R12 Anoctamin-5-Related (LGMD-R12). Identifiers: Orphanet 206549, MedGen C1969785, MONDO:0012652, OMIM 611307.

Submission:

Labcorp Genetics (formerly Invitae), Labcorp
Classification: Uncertain significance for Autosomal recessive limb-girdle muscular dystrophy type 2L; Gnathodiaphyseal dysplasia. Last evaluated: 2025-06-03. Review status: criteria provided, single submitter. Criteria: Invitae Variant Classification Sherloc (09022015). Collection method: clinical testing. Allele origin: germline.
Comment: This sequence change replaces histidine, which is basic and polar, with arginine, which is basic and polar, at codon 334 of the ANO5 protein (p.His334Arg). This variant is not present in population databases (gnomAD no frequency). This variant has not been reported in the literature in individuals affected with ANO5-related conditions. Invitae Evidence Modeling of protein sequence and biophysical properties (such as structural, functional, and spatial information, amino acid conservation, physicochemical variation, residue mobility, and thermodynamic stability) indicates that this missense variant is not expected to disrupt ANO5 protein function with a negative predictive value of 95%. In summary, the available evidence is currently insufficient to determine the role of this variant in disease. Therefore, it has been classified as a Variant of Uncertain Significance.